The following is an entry in ClinVar:

NM_004958.4(MTOR):c.4730C>T (p.Ala1577Val)

Genes: MTOR-AS1 (MTOR antisense RNA 1; plus strand), MTOR (mechanistic target of rapamycin kinase; minus strand). Cytogenetic location: 1p36.22.
Variant type: single nucleotide variant.
Coding change: c.4730C>T on transcript NM_004958.4 (MANE Select); coding-DNA position 4730, C replaced by T.
Protein change: p.Ala1577Val; replaces alanine 1577 with valine.
Molecular consequence: missense variant.
Genome position (GRCh38, 1-based): chr1:11,145,002, G>A on the plus strand (C>T on the coding strand, the complement: MTOR is on the minus strand). VCF-style: chr1-11145002-G-A. GRCh37 (hg19) VCF-style: chr1-11205059-G-A.
Other names: c.4730C>T, p.Ala1577Val (NM_001386500.1); c.3482C>T, p.Ala1161Val (NM_001386501.1); short protein forms A1577V, A1161V.
Identifiers: ClinVar variation 2052655 (VCV002052655.4), dbSNP rs2100509950, ClinGen allele CA338366691.

ClinVar aggregate classification (germline): Uncertain significance (1 of 4 stars; one submission).

Submission:

Labcorp Genetics (formerly Invitae), Labcorp
Classification: Uncertain significance. Last evaluated: 2021-12-22. Review status: criteria provided, single submitter. Criteria: Invitae Variant Classification Sherloc (09022015). Collection method: clinical testing. Allele origin: germline.
Comment: This sequence change replaces alanine, which is neutral and non-polar, with valine, which is neutral and non-polar, at codon 1577 of the MTOR protein (p.Ala1577Val). This variant is not present in population databases (gnomAD no frequency). This variant has not been reported in the literature in individuals affected with MTOR-related conditions. Advanced modeling of protein sequence and biophysical properties (such as structural, functional, and spatial information, amino acid conservation, physicochemical variation, residue mobility, and thermodynamic stability) performed at Invitae indicates that this missense variant is expected to disrupt MTOR protein function. In summary, the available evidence is currently insufficient to determine the role of this variant in disease. Therefore, it has been classified as a Variant of Uncertain Significance.